The following is an entry in ClinVar:

NM_000051.4(ATM):c.605C>T (p.Thr202Ile)

Gene: ATM (ATM serine/threonine kinase; plus strand). Cytogenetic location: 11q22.3.
Variant type: single nucleotide variant.
Coding change: c.605C>T on transcript NM_000051.4 (MANE Select); coding-DNA position 605, C replaced by T.
Protein change: p.Thr202Ile; replaces threonine 202 with isoleucine.
Molecular consequence: missense variant.
Genome position (GRCh38, 1-based): chr11:108,244,061, C>T. VCF-style: chr11-108244061-C-T. GRCh37 (hg19) VCF-style: chr11-108114788-C-T.
Other names: c.605C>T, p.Thr202Ile (NM_001351834.2); short protein forms T202I.
Identifiers: ClinVar variation 482730 (VCV000482730.11), dbSNP rs1555066438, ClinGen allele CA382528135.

ClinVar aggregate classification (germline): Uncertain significance. Review status: criteria provided, multiple submitters, no conflicts (2 of 4 stars). 2 submissions from 2 submitters: Uncertain significance (2). Last evaluated 2025-08-25.

Conditions:
Hereditary cancer-predisposing syndrome. Also called: Hereditary neoplastic syndrome; Neoplastic Syndromes, Hereditary; Tumor predisposition; Hereditary Cancer Syndrome. Identifiers: Orphanet 140162, MedGen C0027672, MeSH D009386, MONDO:0015356.
Ataxia-telangiectasia syndrome (AT). Also called: LOUIS-BAR SYNDROME; Cerebello-oculocutaneous telangiectasia; Immunodeficiency with ataxia telangiectasia; AT, COMPLEMENTATION GROUP C; Ataxia-telangiectasia, complementation group D; ATAXIA-TELANGIECTASIA, COMPLEMENTATION GROUP A. Identifiers: Orphanet 100, MedGen C0004135, MONDO:0008840, OMIM 208900.

Submissions (2):

Labcorp Genetics (formerly Invitae), Labcorp
Classification: Uncertain significance for Ataxia-telangiectasia syndrome. Last evaluated: 2025-08-25. Review status: criteria provided, single submitter. Criteria: Invitae Variant Classification Sherloc (09022015). Collection method: clinical testing. Allele origin: germline.
Comment: This sequence change replaces threonine, which is neutral and polar, with isoleucine, which is neutral and non-polar, at codon 202 of the ATM protein (p.Thr202Ile). This variant is not present in population databases (gnomAD no frequency). This variant has not been reported in the literature in individuals affected with ATM-related conditions. ClinVar contains an entry for this variant (Variation ID: 482730). Invitae Evidence Modeling of protein sequence and biophysical properties (such as structural, functional, and spatial information, amino acid conservation, physicochemical variation, residue mobility, and thermodynamic stability) indicates that this missense variant is not expected to disrupt ATM protein function with a negative predictive value of 95%. In summary, the available evidence is currently insufficient to determine the role of this variant in disease. Therefore, it has been classified as a Variant of Uncertain Significance.

Ambry Genetics
Classification: Uncertain significance for Hereditary cancer-predisposing syndrome. Last evaluated: 2023-11-06. Review status: criteria provided, single submitter. Criteria: Ambry Variant Classification Scheme 2023. Collection method: clinical testing. Allele origin: germline.
Comment: The p.T202I variant (also known as c.605C>T), located in coding exon 5 of the ATM gene, results from a C to T substitution at nucleotide position 605. The threonine at codon 202 is replaced by isoleucine, an amino acid with similar properties. This amino acid position is highly conserved in available vertebrate species. In addition, the in silico prediction for this alteration is inconclusive. Since supporting evidence is limited at this time, the clinical significance of this alteration remains unclear.